The following is an entry in ClinVar:

NM_002076.4(GNS):c.882A>C (p.Gln294His)

Gene: GNS (glucosamine (N-acetyl)-6-sulfatase; minus strand). Cytogenetic location: 12q14.3.
Variant type: single nucleotide variant.
Coding change: c.882A>C on transcript NM_002076.4 (MANE Select); coding-DNA position 882, A replaced by C.
Protein change: p.Gln294His; replaces glutamine 294 with histidine.
Molecular consequence: missense variant.
Genome position (GRCh38, 1-based): chr12:64,739,493, T>G on the plus strand (A>C on the coding strand, the complement: GNS is on the minus strand). VCF-style: chr12-64739493-T-G. GRCh37 (hg19) VCF-style: chr12-65133273-T-G.
Other names: short protein forms Q294H.
Identifiers: ClinVar variation 2849417 (VCV002849417.3), dbSNP rs2136245535, ClinGen allele CA385608209.

ClinVar aggregate classification (germline): Uncertain significance (1 of 4 stars; one submission).

Conditions:
Mucopolysaccharidosis, MPS-III-D (MPS3D). Also called: MPS IIID (Sanfilippo Syndrome Type D); N-ACETYLGLUCOSAMINE-6-SULFATASE DEFICIENCY; SANFILIPPO SYNDROME D; MPS III D; Mucopoly-saccharidosis type 3D; N-acetylglucosamine-6-sulfate sulfatase deficiency. Identifiers: Orphanet 581, Orphanet 79272, MedGen C0086650, MONDO:0009658, OMIM 252940.

Submission:

Labcorp Genetics (formerly Invitae), Labcorp
Classification: Uncertain significance for Mucopolysaccharidosis, MPS-III-D. Last evaluated: 2023-10-05. Review status: criteria provided, single submitter. Criteria: Invitae Variant Classification Sherloc (09022015). Collection method: clinical testing. Allele origin: germline.
Comment: This sequence change replaces glutamine, which is neutral and polar, with histidine, which is basic and polar, at codon 294 of the GNS protein (p.Gln294His). This variant is not present in population databases (gnomAD no frequency). This variant has not been reported in the literature in individuals affected with GNS-related conditions. Advanced modeling of protein sequence and biophysical properties (such as structural, functional, and spatial information, amino acid conservation, physicochemical variation, residue mobility, and thermodynamic stability) performed at Invitae indicates that this missense variant is expected to disrupt GNS protein function. In summary, the available evidence is currently insufficient to determine the role of this variant in disease. Therefore, it has been classified as a Variant of Uncertain Significance.